The following is an entry in ClinVar:

ClinVar aggregate classification (germline): Benign/Likely benign. Review status: criteria provided, multiple submitters, no conflicts (2 of 4 stars). 14 submissions from 14 submitters: Benign (5); Likely benign (9). Last evaluated 2026-04-01.

Conditions:
Intrauterine growth retardation, metaphyseal dysplasia, adrenal hypoplasia congenita, genital anomalies, and immunodeficiency. Also called: IMAGEI SYNDROME. Identifiers: MedGen C5193036, MONDO:0032684, OMIM 618336.
Facial dysmorphism-immunodeficiency-livedo-short stature syndrome. Also called: FILS syndrome; Facial dysmorphism, immunodeficiency, livedo, and short stature. Identifiers: Orphanet 352712, MedGen C3554576, MONDO:0014058, OMIM 615139.
Colorectal cancer, susceptibility to, 12 (CRCS12). Also called: COLORECTAL CANCER, SUSCEPTIBILITY TO, ON CHROMOSOME 12q24. Identifiers: Orphanet 220460, MedGen C3554460, MONDO:0014038, OMIM 615083.
Hereditary cancer-predisposing syndrome. Also called: Tumor predisposition; Hereditary Cancer Syndrome; Neoplastic Syndromes, Hereditary; Hereditary neoplastic syndrome. Identifiers: Orphanet 140162, MedGen C0027672, MeSH D009386, MONDO:0015356.

Allele frequency attached by ClinVar (database versions not stated): gnomAD exomes 0.00021; ExAC 0.00038; 1000 Genomes Project 30x 0.00187; gnomAD 0.00240; TOPMed 0.00274.
gnomAD v4.1: 594 of 1,497,356 alleles (0.04%); highest among the groups gnomAD compares: African/African-American, 0.76%; 3 homozygotes.

Submissions (14):

CeGaT Center for Human Genetics Tuebingen
Classification: Likely benign. Last evaluated: 2026-04-01. Review status: criteria provided, single submitter. Criteria: CeGaT Center For Human Genetics Tuebingen Variant Classification Criteria Version 2. Collection method: clinical testing. Allele origin: germline. Affected: yes. Observed: 3 variant alleles.
Comment: POLE: BP4, BP7

Labcorp Genetics (formerly Invitae), Labcorp
Classification: Benign. Last evaluated: 2026-02-04. Review status: criteria provided, single submitter. Criteria: Invitae Variant Classification Sherloc (09022015). Collection method: clinical testing. Allele origin: germline.

Center for Genomic Medicine, Rigshospitalet, Copenhagen University Hospital
Classification: Likely benign. Last evaluated: 2025-03-04. Review status: criteria provided, single submitter. Criteria: ACMG Guidelines, 2015. Collection method: clinical testing. Allele origin: germline.

Blueprint Genetics
Classification: Likely benign. Last evaluated: 2024-11-01. Review status: criteria provided, single submitter. Criteria: ACMG Guidelines, 2015. Collection method: clinical testing. Allele origin: germline.

Department of Pathology and Laboratory Medicine, Sinai Health System
Classification: Likely benign for Colorectal cancer, susceptibility to, 12; Facial dysmorphism-immunodeficiency-livedo-short stature syndrome; Intrauterine growth retardation, metaphyseal dysplasia, adrenal hypoplasia congenita, genital anomalies, and immunodeficiency. Last evaluated: 2024-08-19. Review status: criteria provided, single submitter. Criteria: ACMG Guidelines, 2015. Collection method: clinical testing. Allele origin: germline.

ARUP Laboratories, Molecular Genetics and Genomics, ARUP Laboratories
Classification: Likely benign. Last evaluated: 2024-02-27. Review status: criteria provided, single submitter. Criteria: ARUP Molecular Germline Variant Investigation Process 2024. Collection method: clinical testing. Allele origin: germline.

Women's Health and Genetics/Laboratory Corporation of America, LabCorp
Classification: Benign. Last evaluated: 2021-07-26. Review status: criteria provided, single submitter. Criteria: LabCorp Variant Classification Summary - May 2015. Collection method: clinical testing. Allele origin: germline.

GeneDx
Classification: Likely benign. Last evaluated: 2021-04-15. Review status: criteria provided, single submitter. Criteria: GeneDx Variant Classification Process June 2021. Collection method: clinical testing. Allele origin: germline. Affected: yes.

Sema4
Classification: Benign for Hereditary cancer-predisposing syndrome. Last evaluated: 2021-01-31. Review status: criteria provided, single submitter. Criteria: Sema4 Curation Guidelines. Collection method: curation. Allele origin: germline.

Mendelics
Classification: Likely benign for Colorectal cancer, susceptibility to, 12. Last evaluated: 2019-05-28. Review status: criteria provided, single submitter. Criteria: Mendelics Assertion Criteria 2017. Collection method: clinical testing. Allele origin: unknown.

Quest Diagnostics Nichols Institute San Juan Capistrano
Classification: Benign. Last evaluated: 2018-07-10. Review status: criteria provided, single submitter. Criteria: Quest Diagnostics criteria. Collection method: clinical testing. Allele origin: unknown.

PreventionGenetics, part of Exact Sciences
Classification: Benign. Last evaluated: 2017-07-28. Review status: criteria provided, single submitter. Criteria: ACMG Guidelines, 2015. Collection method: clinical testing. Allele origin: germline.

Ambry Genetics
Classification: Likely benign for Hereditary cancer-predisposing syndrome. Last evaluated: 2015-07-10. Review status: criteria provided, single submitter. Criteria: Ambry Variant Classification Scheme 2023. Collection method: clinical testing. Allele origin: germline.

Breakthrough Genomics
Classification: Likely benign. Review status: criteria provided, single submitter. Criteria: ACMG Guidelines, 2015. Collection method: not provided. Allele origin: germline. Inheritance: Autosomal recessive inheritance. Affected: yes.

NM_006231.4(POLE):c.51C>G (p.Gly17=)

Genes: POLE (DNA polymerase epsilon, catalytic subunit; minus strand), LOC130009266 (ATAC-STARR-seq lymphoblastoid silent region 5123; plus strand). Cytogenetic location: 12q24.33.
Variant type: single nucleotide variant.
Coding change: c.51C>G on transcript NM_006231.4 (MANE Select); coding-DNA position 51, C replaced by G.
Protein change: p.Gly17=; no amino-acid change (glycine 17 retained).
Molecular consequence: synonymous variant.
Genome position (GRCh38, 1-based): chr12:132,687,265, G>C on the plus strand (C>G on the coding strand, the complement: POLE is on the minus strand). VCF-style: chr12-132687265-G-C. GRCh37 (hg19) VCF-style: chr12-133263851-G-C.
Identifiers: ClinVar variation 240553 (VCV000240553.52), dbSNP rs780436496, ClinGen allele CA6894469.